The following is an entry in ClinVar:

NM_017514.5(PLXNA3):c.399G>A (p.Glu133=)

Gene: PLXNA3 (plexin A3; plus strand). Cytogenetic location: Xq28.
Variant type: single nucleotide variant.
Coding change: c.399G>A on transcript NM_017514.5 (MANE Select); coding-DNA position 399, G replaced by A.
Protein change: p.Glu133=; no amino-acid change (glutamic acid 133 retained).
Molecular consequence: synonymous variant.
Genome position (GRCh38, 1-based): chrX:154,460,582, G>A. VCF-style: chrX-154460582-G-A. GRCh37 (hg19) VCF-style: chrX-153688922-G-A.
Identifiers: ClinVar variation 4987635 (VCV004987635.1).

ClinVar aggregate classification (germline): Likely benign (1 of 4 stars; one submission).

Conditions:
PLXNA3-related disorder. Also called: PLXNA3-related condition.

gnomAD v4.1: 11 of 1,205,736 alleles (0.00091%); highest among the groups gnomAD compares: South Asian, 0.018%; no homozygotes.

Submission:

PreventionGenetics, part of Exact Sciences
Classification: Likely benign for PLXNA3-related condition. Last evaluated: 2026-05-16. Review status: criteria provided, single submitter. Criteria: ACMG Guidelines, 2015. Collection method: clinical testing. Allele origin: germline.
Comment: This variant is classified as likely benign based on ACMG/AMP sequence variant interpretation guidelines (Richards et al. 2015 PMID: 25741868, with internal and published modifications).